The following is an entry in ClinVar:

ClinVar aggregate classification (germline): Conflicting classifications of pathogenicity. Review status: criteria provided, conflicting classifications (1 of 4 stars). 2 submissions from 2 submitters: Uncertain significance (1); Likely benign (1). Last evaluated 2026-07-01.

Conditions:
Congenital myasthenic syndrome 8. Also called: Myasthenic syndrome, congenital, 8, with pre- and postsynaptic defects; MYASTHENIC SYNDROME, CONGENITAL, DUE TO AGRIN DEFICIENCY. Identifiers: Orphanet 590, MedGen C3808739, MONDO:0014052, OMIM 615120.

Allele frequency attached by ClinVar (database versions not stated): gnomAD 0.00032 and 0.00034.

Submissions (2):

CeGaT Center for Human Genetics Tuebingen
Classification: Uncertain significance. Last evaluated: 2026-07-01. Review status: criteria provided, single submitter. Criteria: CeGaT Center For Human Genetics Tuebingen Variant Classification Criteria Version 2. Collection method: clinical testing. Allele origin: germline. Affected: yes. Observed: 1 variant allele.
Comment: AGRN: PM2

Labcorp Genetics (formerly Invitae), Labcorp
Classification: Likely benign for Congenital myasthenic syndrome 8. Last evaluated: 2025-05-06. Review status: criteria provided, single submitter. Criteria: Invitae Variant Classification Sherloc (09022015). Collection method: clinical testing. Allele origin: germline.

NM_198576.4(AGRN):c.2270C>T (p.Pro757Leu)

Gene: AGRN (agrin; plus strand). Cytogenetic location: 1p36.33.
Variant type: single nucleotide variant.
Coding change: c.2270C>T on transcript NM_198576.4 (MANE Select); coding-DNA position 2270, C replaced by T.
Protein change: p.Pro757Leu; replaces proline 757 with leucine.
Molecular consequence: missense variant.
Genome position (GRCh38, 1-based): chr1:1,045,176, C>T. VCF-style: chr1-1045176-C-T. GRCh37 (hg19) VCF-style: chr1-980556-C-T.
Other names: c.2270C>T, p.Pro757Leu (NM_001305275.2); c.1955C>T, p.Pro652Leu (NM_001364727.2); short protein forms P652L, P757L.
Identifiers: ClinVar variation 1112492 (VCV001112492.10), dbSNP rs202172924, ClinGen allele CA508566.